The following is an entry in ClinVar:

NM_014956.5(CEP164):c.1792G>A (p.Ala598Thr)

Gene: CEP164 (centrosomal protein 164; plus strand). Cytogenetic location: 11q23.3.
Variant type: single nucleotide variant.
Coding change: c.1792G>A on transcript NM_014956.5 (MANE Select); coding-DNA position 1792, G replaced by A.
Protein change: p.Ala598Thr; replaces alanine 598 with threonine.
Molecular consequence: missense variant.
Genome position (GRCh38, 1-based): chr11:117,387,270, G>A. VCF-style: chr11-117387270-G-A. GRCh37 (hg19) VCF-style: chr11-117257986-G-A.
Other names: c.1801G>A, p.Ala601Thr (NM_001271933.2); c.1792G>A (NM_014956.4); short protein forms A598T, A601T.
Identifiers: ClinVar variation 1021536 (VCV001021536.10), dbSNP rs150956860, ClinGen allele CA6294867.

ClinVar aggregate classification (germline): Conflicting classifications of pathogenicity. Review status: criteria provided, conflicting classifications (1 of 4 stars). 4 submissions from 4 submitters: Uncertain significance (3); Benign (1). Last evaluated 2026-06-24.

Conditions:
CEP164-related disorder. Also called: CEP164-related condition.
Nephronophthisis 15 (NPHP15). Identifiers: Orphanet 3156, MedGen C3541853, MONDO:0013917, OMIM 614845.

Allele frequency attached by ClinVar (database versions not stated): gnomAD 0.00031 and 0.00032; 1000 Genomes Project 30x 0.00047; ESP Exome Variant Server 0.00054; 1000 Genomes Project 0.00060; TOPMed 0.00045.
gnomAD v4.1: 103 of 1,614,236 alleles (0.0064%); highest among the groups gnomAD compares: African/African-American, 0.12%; no homozygotes.

Submissions (4):

PreventionGenetics, part of Exact Sciences
Classification: Uncertain significance for CEP164-related condition. Last evaluated: 2026-06-24. Review status: criteria provided, single submitter. Criteria: ACMG Guidelines, 2015. Collection method: clinical testing. Allele origin: germline.
Comment: The CEP164 c.1792G>A variant is predicted to result in the amino acid substitution p.Ala598Thr. This variant was reported in an individual with focal segmental glomerulosclerosis (Table S4, Wang et al. 2019. PubMed ID: 31308072). This variant is reported in 0.12% of alleles in individuals of African descent in gnomAD. Although we suspect that this variant may be benign, at this time, the clinical significance of this variant is uncertain due to the absence of conclusive functional and genetic evidence.

Blueprint Genetics
Classification: Benign. Last evaluated: 2022-12-07. Review status: criteria provided, single submitter. Criteria: ACMG Guidelines, 2015. Collection method: clinical testing. Allele origin: germline.

Labcorp Genetics (formerly Invitae), Labcorp
Classification: Uncertain significance for Nephronophthisis 15. Last evaluated: 2022-07-12. Review status: criteria provided, single submitter. Criteria: Invitae Variant Classification Sherloc (09022015). Collection method: clinical testing. Allele origin: germline.
Comment: This sequence change replaces alanine, which is neutral and non-polar, with threonine, which is neutral and polar, at codon 598 of the CEP164 protein (p.Ala598Thr). This variant is present in population databases (rs150956860, gnomAD 0.1%). This variant has not been reported in the literature in individuals affected with CEP164-related conditions. ClinVar contains an entry for this variant (Variation ID: 1021536). Algorithms developed to predict the effect of missense changes on protein structure and function output the following: SIFT: "Tolerated"; PolyPhen-2: "Benign"; Align-GVGD: "Class C0". The threonine amino acid residue is found in multiple mammalian species, which suggests that this missense change does not adversely affect protein function. In summary, the available evidence is currently insufficient to determine the role of this variant in disease. Therefore, it has been classified as a Variant of Uncertain Significance.

Fulgent Genetics
Classification: Uncertain significance for Nephronophthisis 15. Last evaluated: 2022-04-14. Review status: criteria provided, single submitter. Criteria: ACMG Guidelines, 2015. Collection method: clinical testing. Allele origin: unknown.